The following is an entry in ClinVar:

ClinVar aggregate classification (germline): Conflicting classifications of pathogenicity. Review status: criteria provided, conflicting classifications (1 of 4 stars). 10 submissions from 10 submitters: Uncertain significance (8); Likely benign (2). Last evaluated 2025-02-18.

Conditions:
Cardiovascular phenotype. Identifiers: MedGen CN230736.
Familial isolated arrhythmogenic right ventricular dysplasia. Identifiers: Orphanet 217656, MedGen C4274968, MONDO:0016342.
Arrhythmogenic right ventricular dysplasia 11. Also called: Arrhythmogenic right ventricular dysplasia 11 with mild palmoplantar keratoderma and woolly hair; Arrhythmogenic Right Ventricular Dysplasia/Cardiomyopathy11; ARRHYTHMOGENIC RIGHT VENTRICULAR DYSPLASIA, FAMILIAL, 11. Identifiers: MedGen C1864850, MONDO:0012506, OMIM 610476.
Cardiomyopathy (CMYO). Also called: Cardiomyopathies. Identifiers: Orphanet 167848, MedGen C0878544, MONDO:0004994, HP:0001638. Inheritance: Various modes of inheritance.

Allele frequency attached by ClinVar (database versions not stated): gnomAD exomes 0.00003 and 0.00011; gnomAD 0.00005 and 0.00004; ESP Exome Variant Server 0.00015; ExAC 0.00005; TOPMed 0.00008.
gnomAD v4.1: 165 of 1,613,988 alleles (0.01%); highest among the groups gnomAD compares: Non-Finnish European, 0.013%; no homozygotes.

Submissions (10):

Color Diagnostics, LLC DBA Color Health
Classification: Likely benign for Cardiomyopathy. Last evaluated: 2025-02-18. Review status: criteria provided, single submitter. Criteria: ACMG Guidelines, 2015. Collection method: clinical testing. Allele origin: germline.

Labcorp Genetics (formerly Invitae), Labcorp
Classification: Uncertain significance for Arrhythmogenic right ventricular dysplasia 11. Last evaluated: 2024-10-10. Review status: criteria provided, single submitter. Criteria: Invitae Variant Classification Sherloc (09022015). Collection method: clinical testing. Allele origin: germline.
Comment: This sequence change replaces glycine, which is neutral and non-polar, with arginine, which is basic and polar, at codon 779 of the DSC2 protein (p.Gly779Arg). This variant is present in population databases (rs139290300, gnomAD 0.009%). This missense change has been observed in individual(s) with hypertrophic cardiomyopathy or arrhythmogenic right ventricular cardiomyopathy (PMID: 25351510, 31737537). ClinVar contains an entry for this variant (Variation ID: 191619). Invitae Evidence Modeling of protein sequence and biophysical properties (such as structural, functional, and spatial information, amino acid conservation, physicochemical variation, residue mobility, and thermodynamic stability) has been performed for this missense variant. However, the output from this modeling did not meet the statistical confidence thresholds required to predict the impact of this variant on DSC2 protein function. In summary, the available evidence is currently insufficient to determine the role of this variant in disease. Therefore, it has been classified as a Variant of Uncertain Significance.

All of Us Research Program, National Institutes of Health
Classification: Uncertain significance for Familial isolated arrhythmogenic right ventricular dysplasia. Last evaluated: 2024-01-11. Review status: criteria provided, single submitter. Criteria: ACMG Guidelines, 2015. Collection method: clinical testing. Allele origin: germline. Inheritance: Autosomal dominant inheritance. Observed: 23 variant alleles, 23 heterozygotes.
Comment: This missense variant replaces glycine with arginine at codon 779 of the DSC2 protein. Computational prediction suggests that this variant may not impact protein structure and function (internally defined REVEL score threshold <= 0.5, PMID: 27666373). To our knowledge, functional studies have not been reported for this variant. This variant has been reported in an individual affected with hypertrophic cardiomyopathy (PMID: 25351510). This variant has been identified in 11/282502 chromosomes in the general population by the Genome Aggregation Database (gnomAD). The available evidence is insufficient to determine the role of this variant in disease conclusively. Therefore, this variant is classified as a Variant of Uncertain Significance.

This study involves interpretation of variants in research participants for the purpose of population health screening. Participant phenotype was not available at the time of variant classification. Additional details can be found in publication PMID: 35346344, PMCID: PMC8962531

Ambry Genetics
Classification: Likely benign for Cardiovascular phenotype. Last evaluated: 2023-07-28. Review status: criteria provided, single submitter. Criteria: Ambry Variant Classification Scheme 2023. Collection method: clinical testing. Allele origin: germline.

Fulgent Genetics
Classification: Uncertain significance for Arrhythmogenic right ventricular dysplasia 11. Last evaluated: 2021-09-22. Review status: criteria provided, single submitter. Criteria: ACMG Guidelines, 2015. Collection method: clinical testing. Allele origin: unknown.

Illumina Laboratory Services, Illumina
Classification: Uncertain significance for Arrhythmogenic right ventricular dysplasia 11. Last evaluated: 2018-01-13. Review status: criteria provided, single submitter. Criteria: ICSL Variant Classification Criteria 13 December 2019. Collection method: clinical testing. Allele origin: germline.

Eurofins Ntd Llc (ga)
Classification: Uncertain significance. Last evaluated: 2016-07-05. Review status: criteria provided, single submitter. Criteria: EGL Classification Definitions 2015. Collection method: clinical testing. Allele origin: germline. Observed: 2 variant alleles, 2 heterozygotes.

Women's Health and Genetics/Laboratory Corporation of America, LabCorp
Classification: Uncertain significance. Last evaluated: 2016-02-01. Review status: criteria provided, single submitter. Criteria: LabCorp Variant Classification Summary - May 2015. Collection method: clinical testing. Allele origin: germline.

GeneDx
Classification: Uncertain significance. Last evaluated: 2014-06-25. Review status: criteria provided, single submitter. Criteria: GeneDx Variant Classification (06012015). Collection method: clinical testing. Allele origin: germline. Affected: yes.
Comment: p.Gly779Arg (GGA>AGA): c.2335 G>A in exon 15 of the DSC2 gene (NM_024422.3) A variant of unknown significance has been identified in the DSC2 gene. The G779R variant has not been published as a mutation, nor has it been reported as a benign polymorphism to our knowledge. The G779R variant was not observed with any significant frequency in approximately 6500 individuals of European and African American ancestry in the NHLBI Exome Sequencing Project. The G779R variant is a non-conservative amino acid substitution, which is likely to impact secondary protein structure as these residues differ in polarity, charge, size and/or other properties. This substitution occurs at a position that is conserved across species. In silico analysis predicts this variant is probably damaging to the protein structure/function. However, mutations in nearby residues have not been reported in association with arrhythmia, indicating this region of the protein may tolerate change. Therefore, based on the currently available information, it is unclear whether this variant is a pathogenic mutation or a rare benign variant. The variant is found in ARRHYTHMIA panel(s).

Biesecker Lab/Clinical Genomics Section, National Institutes of Health
Classification: Uncertain significance. Last evaluated: 2013-06-24. Review status: criteria provided, single submitter. Criteria: Ng et al. (Circ Cardiovasc Genet. 2013). Collection method: research. Allele origin: unknown. Observed: 1 variant allele. Study: ClinSeq.
Comment: The study set was not selected for affection status in relation to any cancer. Pathogenicity categories were based on literature curation. See Pubmed ID:23861362 for details.

Medical sequencing

Literature cited by the submitters: PubMed 25351510 (cited by 4 submitters); PubMed 31737537 (cited by Labcorp Genetics (formerly Invitae), Labcorp and Ambry Genetics); PubMed 23861362 (cited by 3 submitters).

NM_024422.6(DSC2):c.2335G>A (p.Gly779Arg)

Gene: DSC2 (desmocollin 2; minus strand). Cytogenetic location: 18q12.1.
Variant type: single nucleotide variant.
Coding change: c.2335G>A on transcript NM_024422.6 (MANE Select); coding-DNA position 2335, G replaced by A.
Protein change: p.Gly779Arg; replaces glycine 779 with arginine.
Molecular consequence: missense variant.
Genome position (GRCh38, 1-based): chr18:31,069,067, C>T on the plus strand (G>A on the coding strand, the complement: DSC2 is on the minus strand). VCF-style: chr18-31069067-C-T. GRCh37 (hg19) VCF-style: chr18-28649033-C-T.
Other names: p.G779R:GGA>AGA; c.2335G>A, p.Gly779Arg (NM_004949.5); short protein forms G779R.
Identifiers: ClinVar variation 191619 (VCV000191619.27), dbSNP rs139290300, ClinGen allele CA022676.